The following is an entry in ClinVar:

ClinVar aggregate classification (germline): Uncertain significance. Review status: criteria provided, multiple submitters, no conflicts (2 of 4 stars). 5 submissions from 5 submitters: Uncertain significance (5). Last evaluated 2025-11-12.

Conditions:
Familial thoracic aortic aneurysm and aortic dissection (TAAD). Also called: Thoracic aortic aneurysms and dissections. Identifiers: Orphanet 91387, MedGen C4707243, MONDO:0019625.

Submissions (5):

Labcorp Genetics (formerly Invitae), Labcorp
Classification: Uncertain significance for Familial thoracic aortic aneurysm and aortic dissection. Last evaluated: 2025-11-12. Review status: criteria provided, single submitter. Criteria: Invitae Variant Classification Sherloc (09022015). Collection method: clinical testing. Allele origin: germline.
Comment: This sequence change replaces tyrosine, which is neutral and polar, with cysteine, which is neutral and slightly polar, at codon 88 of the SMAD3 protein (p.Tyr88Cys). This variant is not present in population databases (gnomAD no frequency). This variant has not been reported in the literature in individuals affected with SMAD3-related conditions. ClinVar contains an entry for this variant (Variation ID: 636517). Invitae Evidence Modeling incorporating data from in vitro experimental studies (internal data) indicates that this missense variant is expected to disrupt SMAD3 function with a positive predictive value of 95%. In summary, the available evidence is currently insufficient to determine the role of this variant in disease. Therefore, it has been classified as a Variant of Uncertain Significance.

GeneDx
Classification: Uncertain significance. Last evaluated: 2025-10-15. Review status: criteria provided, single submitter. Criteria: GeneDx Variant Classification Process June 2021. Collection method: clinical testing. Allele origin: germline.
Comment: Not observed at significant frequency in large population cohorts (gnomAD); In silico analysis supports that this missense variant has a deleterious effect on protein structure/function; Has not been previously published as pathogenic or benign to our knowledge

Blueprint Genetics
Classification: Uncertain significance. Last evaluated: 2024-07-16. Review status: criteria provided, single submitter. Criteria: ACMG Guidelines, 2015. Collection method: clinical testing. Allele origin: germline.

CHEO Genetics Diagnostic Laboratory, Children's Hospital of Eastern Ontario
Classification: Uncertain significance for Familial thoracic aortic aneurysm and aortic dissection. Last evaluated: 2022-03-14. Review status: criteria provided, single submitter. Criteria: ACMG Guidelines, 2015. Collection method: clinical testing. Allele origin: germline.

Ambry Genetics
Classification: Uncertain significance for Familial thoracic aortic aneurysm and aortic dissection. Last evaluated: 2021-07-08. Review status: criteria provided, single submitter. Criteria: Ambry Variant Classification Scheme 2023. Collection method: clinical testing. Allele origin: germline.

NM_005902.4(SMAD3):c.263A>G (p.Tyr88Cys)

Gene: SMAD3 (SMAD family member 3; plus strand). Cytogenetic location: 15q22.33.
Variant type: single nucleotide variant.
Coding change: c.263A>G on transcript NM_005902.4 (MANE Select); coding-DNA position 263, A replaced by G.
Protein change: p.Tyr88Cys; replaces tyrosine 88 with cysteine.
Molecular consequence: missense variant. On other transcripts: 5 prime UTR variant (1).
Genome position (GRCh38, 1-based): chr15:67,164,951, A>G. VCF-style: chr15-67164951-A-G. GRCh37 (hg19) VCF-style: chr15-67457289-A-G.
Other names: c.-53A>G (NM_001145102.2); c.131A>G, p.Tyr44Cys (NM_001145103.2); short protein forms Y88C, Y44C.
Identifiers: ClinVar variation 636517 (VCV000636517.11), dbSNP rs1595941635, ClinGen allele CA392953864.